The following is an entry in ClinVar:

NM_002485.5(NBN):c.454A>G (p.Met152Val)

Gene: NBN (nibrin; minus strand). Cytogenetic location: 8q21.3.
Variant type: single nucleotide variant.
Coding change: c.454A>G on transcript NM_002485.5 (MANE Select); coding-DNA position 454, A replaced by G.
Protein change: p.Met152Val; replaces methionine 152 with valine.
Molecular consequence: missense variant.
Genome position (GRCh38, 1-based): chr8:89,980,760, T>C on the plus strand (A>G on the coding strand, the complement: NBN is on the minus strand). VCF-style: chr8-89980760-T-C. GRCh37 (hg19) VCF-style: chr8-90992988-T-C.
Other names: c.208A>G, p.Met70Val (NM_001024688.3); short protein forms M152V, M70V.
Identifiers: ClinVar variation 483993 (VCV000483993.10), dbSNP rs1554567872, ClinGen allele CA371661606.

ClinVar aggregate classification (germline): Uncertain significance. Review status: criteria provided, multiple submitters, no conflicts (2 of 4 stars). 3 submissions from 3 submitters: Uncertain significance (3). Last evaluated 2022-08-09.

Conditions:
Hereditary cancer-predisposing syndrome. Also called: Hereditary neoplastic syndrome; Neoplastic Syndromes, Hereditary; Tumor predisposition; Hereditary Cancer Syndrome. Identifiers: Orphanet 140162, MedGen C0027672, MeSH D009386, MONDO:0015356.
Microcephaly, normal intelligence and immunodeficiency (NBS). Also called: IMMUNODEFICIENCY, MICROCEPHALY, AND CHROMOSOMAL INSTABILITY; SEEMANOVA SYNDROME II; Nijmegen breakage syndrome; Microcephaly with normal intelligence immunodeficiency and lymphoreticular malignancies; Nonsyndromal microcephaly autosomal recessive with normal intelligence; Seemanova syndrome 2. Identifiers: Orphanet 647, MedGen C0398791, MONDO:0009623, OMIM 251260.

Submissions (3):

Labcorp Genetics (formerly Invitae), Labcorp
Classification: Uncertain significance for Microcephaly, normal intelligence and immunodeficiency. Last evaluated: 2022-08-09. Review status: criteria provided, single submitter. Criteria: Invitae Variant Classification Sherloc (09022015). Collection method: clinical testing. Allele origin: germline.
Comment: This sequence change replaces methionine, which is neutral and non-polar, with valine, which is neutral and non-polar, at codon 152 of the NBN protein (p.Met152Val). This variant is not present in population databases (gnomAD no frequency). This variant has not been reported in the literature in individuals affected with NBN-related conditions. ClinVar contains an entry for this variant (Variation ID: 483993). Algorithms developed to predict the effect of missense changes on protein structure and function are either unavailable or do not agree on the potential impact of this missense change (SIFT: "Deleterious"; PolyPhen-2: "Possibly Damaging"; Align-GVGD: "Class C0"). Algorithms developed to predict the effect of sequence changes on RNA splicing suggest that this variant may disrupt the consensus splice site. In summary, the available evidence is currently insufficient to determine the role of this variant in disease. Therefore, it has been classified as a Variant of Uncertain Significance.

Genome-Nilou Lab
Classification: Uncertain significance for Microcephaly, normal intelligence and immunodeficiency. Last evaluated: 2021-11-07. Review status: criteria provided, single submitter. Criteria: ACMG Guidelines, 2015. Collection method: clinical testing. Allele origin: germline. Affected: no.

Ambry Genetics
Classification: Uncertain significance for Hereditary cancer-predisposing syndrome. Last evaluated: 2017-05-18. Review status: criteria provided, single submitter. Criteria: Ambry Variant Classification Scheme 2023. Collection method: clinical testing. Allele origin: germline.
Comment: The p.M152V variant (also known as c.454A>G), located in coding exon 4 of the NBN gene, results from an A to G substitution at nucleotide position 454. The methionine at codon 152 is replaced by valine, an amino acid with highly similar properties. This amino acid position is highly conserved in available vertebrate species. In addition, this alteration is predicted to be deleterious by in silico analysis. Since supporting evidence is limited at this time, the clinical significance of this alteration remains unclear.